The following is an entry in ClinVar:

ClinVar aggregate classification (germline): Uncertain significance (1 of 4 stars; one submission).

Conditions:
Immunodeficiency, common variable, 10. Also called: IMMUNODEFICIENCY, COMMON VARIABLE, WITH CENTRAL ADRENAL INSUFFICIENCY; DEFICIT IN ANTERIOR PITUITARY FUNCTION AND VARIABLE IMMUNODEFICIENCY. Identifiers: MedGen C3809991, MONDO:0014260, OMIM 615577.

Submission:

Labcorp Genetics (formerly Invitae), Labcorp
Classification: Uncertain significance for Immunodeficiency, common variable, 10. Last evaluated: 2018-11-17. Review status: criteria provided, single submitter. Criteria: Invitae Variant Classification Sherloc (09022015). Collection method: clinical testing. Allele origin: germline.
Comment: This sequence change replaces histidine with asparagine at codon 98 of the NFKB2 protein (p.His98Asn). The histidine residue is highly conserved and there is a small physicochemical difference between histidine and asparagine. In summary, the available evidence is currently insufficient to determine the role of this variant in disease. Therefore, it has been classified as a Variant of Uncertain Significance. Algorithms developed to predict the effect of missense changes on protein structure and function are either unavailable or do not agree on the potential impact of this missense change (SIFT: "Deleterious"; PolyPhen-2: "Benign"; Align-GVGD: "Class C0"). This variant has not been reported in the literature in individuals with NFKB2-related disease. This variant is not present in population databases (ExAC no frequency).

NM_001322934.2(NFKB2):c.292C>A (p.His98Asn)

Gene: NFKB2 (nuclear factor kappa B subunit 2; plus strand). Cytogenetic location: 10q24.32.
Variant type: single nucleotide variant.
Coding change: c.292C>A on transcript NM_001322934.2 (MANE Select); coding-DNA position 292, C replaced by A.
Protein change: p.His98Asn; replaces histidine 98 with asparagine.
Molecular consequence: missense variant.
Genome position (GRCh38, 1-based): chr10:102,396,952, C>A. VCF-style: chr10-102396952-C-A. GRCh37 (hg19) VCF-style: chr10-104156709-C-A.
Other names: c.292C>A, p.His98Asn (LRG_1347t1, NM_001077494.3, NM_001261403.3 and 3 more transcripts); short protein forms H98N.
Identifiers: ClinVar variation 659896 (VCV000659896.8), dbSNP rs1589859604, ClinGen allele CA377896360.